The following is an entry in ClinVar:

ClinVar aggregate classification (germline): Conflicting classifications of pathogenicity. Review status: criteria provided, conflicting classifications (1 of 4 stars). 2 submissions from 2 submitters: Uncertain significance (1); Likely benign (1). Last evaluated 2025-04-04.

Conditions:
POLD1-related polyposis and colorectal cancer syndrome (CRCS10). Also called: Colorectal cancer 10; COLORECTAL CANCER, SUSCEPTIBILITY TO, ON CHROMOSOME 19q; Colorectal cancer, susceptibility to, 10. Identifiers: Orphanet 220460, MedGen C2675481, MONDO:0012953, OMIM 612591.
Hereditary cancer-predisposing syndrome. Also called: Tumor predisposition; Neoplastic Syndromes, Hereditary; Hereditary Cancer Syndrome; Hereditary neoplastic syndrome. Identifiers: Orphanet 140162, MedGen C0027672, MeSH D009386, MONDO:0015356.

Allele frequency attached by ClinVar (database versions not stated): gnomAD exomes 0.00001; TOPMed 0.00001; gnomAD 0.00003.
gnomAD v4.1: 9 of 1,541,272 alleles (0.00058%); highest among the groups gnomAD compares: South Asian, 0.0024%; no homozygotes.

Submissions (2):

Ambry Genetics
Classification: Likely benign for Hereditary cancer-predisposing syndrome. Last evaluated: 2025-04-04. Review status: criteria provided, single submitter. Criteria: Ambry Variant Classification Scheme 2023. Collection method: clinical testing. Allele origin: germline.

Labcorp Genetics (formerly Invitae), Labcorp
Classification: Uncertain significance for POLD1-related polyposis and colorectal cancer syndrome. Last evaluated: 2024-07-30. Review status: criteria provided, single submitter. Criteria: Invitae Variant Classification Sherloc (09022015). Collection method: clinical testing. Allele origin: germline.
Comment: This sequence change replaces arginine, which is basic and polar, with histidine, which is basic and polar, at codon 1016 of the POLD1 protein (p.Arg1016His). This variant is present in population databases (no rsID available, gnomAD 0.007%). This variant has not been reported in the literature in individuals affected with POLD1-related conditions. ClinVar contains an entry for this variant (Variation ID: 575781). Advanced modeling of protein sequence and biophysical properties (such as structural, functional, and spatial information, amino acid conservation, physicochemical variation, residue mobility, and thermodynamic stability) performed at Invitae indicates that this missense variant is not expected to disrupt POLD1 protein function with a negative predictive value of 80%. In summary, the available evidence is currently insufficient to determine the role of this variant in disease. Therefore, it has been classified as a Variant of Uncertain Significance.

NM_002691.4(POLD1):c.3047G>A (p.Arg1016His)

Gene: POLD1 (DNA polymerase delta 1, catalytic subunit; plus strand). Cytogenetic location: 19q13.33.
Variant type: single nucleotide variant.
Coding change: c.3047G>A on transcript NM_002691.4 (MANE Select); coding-DNA position 3047, G replaced by A.
Protein change: p.Arg1016His; replaces arginine 1016 with histidine.
Molecular consequence: missense variant. On other transcripts: non-coding transcript variant (1).
Genome position (GRCh38, 1-based): chr19:50,416,703, G>A. VCF-style: chr19-50416703-G-A. GRCh37 (hg19) VCF-style: chr19-50919960-G-A.
Other names: c.3047G>A, p.Arg1016His (NM_001256849.1); c.3125G>A, p.Arg1042His (NM_001308632.1); c.3047G>A (NM_002691.2); short protein forms R1016H, R1042H.
Identifiers: ClinVar variation 575781 (VCV000575781.11), dbSNP rs1440946792, ClinGen allele CA406986991.